The following continues an entry in ClinVar:

NM_007294.4(BRCA1):c.823G>A (p.Gly275Ser)

Gene: BRCA1. ClinVar aggregate classification (germline): Benign. Benign (1).

Submissions 17 to 22 of 22:

Pathway Genomics
Classification: Likely benign for Breast-ovarian cancer, familial 1. Last evaluated: 2014-11-06. Review status: no assertion criteria provided. Collection method: clinical testing. Allele origin: germline. Not counted in ClinVar's aggregate classification.

Breast Cancer Information Core (BIC) (BRCA1)
Classification: Uncertain significance for Breast-ovarian cancer, familial 1. Last evaluated: 2004-02-20. Review status: no assertion criteria provided. Collection method: clinical testing. Allele origin: germline. Affected: yes. Observed: 4 variant alleles. Not counted in ClinVar's aggregate classification.

Clinical Genetics DNA and cytogenetics Diagnostics Lab, Erasmus MC, Erasmus Medical Center
Classification: Likely benign. Review status: no assertion criteria provided. Collection method: clinical testing. Allele origin: germline. Affected: yes. Study: VKGL Data-share Consensus. Not counted in ClinVar's aggregate classification.

Clinical Genetics Laboratory, Department of Pathology, Netherlands Cancer Institute
Classification: Likely benign. Review status: no assertion criteria provided. Collection method: clinical testing. Allele origin: germline. Affected: yes. Study: VKGL Data-share Consensus. Not counted in ClinVar's aggregate classification.

Department of Pathology and Laboratory Medicine, Sinai Health System
Classification: Likely benign for Breast-ovarian cancer, familial, susceptibility to, 1. Review status: no assertion criteria provided. Collection method: clinical testing. Allele origin: unknown. Affected: yes. Study: The Canadian Open Genetics Repository (COGR). Not counted in ClinVar's aggregate classification.
Comment: The BRCA1 p.Gly275Ser variant was identified in 2 of 596 proband chromosomes (frequency: 0.003) from Pakistani, Thai and Indian individuals or families with unselected, sporadic, or early-onset breast cancer and was not identified in 100 control chromosomes from healthy individuals (Ahmad 2012, Juwle 2012). The variant was also identified in dbSNP (ID: rs8176153) â€šÃ„ÃºWith other alleleâ€šÃ„Ã¹, ClinVar (classified benign by Invitae; as likely benign by Ambry Genetics, GeneDx, Counsyl, and Pathway Genetics; and as uncertain significance by BIC), Genesight-COGR (classified benign/likely benign/uncertain significance by 3 clinical labs), LOVD 3.0 (1x), UMD-LSDB (4x as neutral and co-occurring with a pathogenic variant: BRCA2 c.2612C>A, p.Ser871X), and BIC Database (4x with unknown clinical importance, classification pending). The variant was not identified in Cosmic, MutDB, ARUP Laboratories, or the Zhejiang University Database. The variant was also identified in control databases in 146 (2 homozygous) of 245170 chromosomes at a frequency of 0.0006, increasing the likelihood this could be a low frequency benign variant (Genome Aggregation Database Feb 27, 2017). Breakdown of the observations by population include and South Asian in 146 (2 homozygous) of 30672 chromosomes (freq: 0.005), while not observed in the African, Other, Latino, European Non-Finnish, Ashkenazi Jewish, East Asian, or Finnish populations. The p.Gly275 residue is not conserved in mammals and four out of five computational analyses (PolyPhen-2, SIFT, AlignGVGD, BLOSUM, MutationTaster) do not suggest a high likelihood Ser impacts the protein; however, this information is not predictive enough to rule out pathogenicity. The variant occurs outside of the splicing consensus sequence and 1 of 5 in silico or computational prediction software programs (SpliceSiteFinder, MaxEntScan, NNSPLICE, GeneSplicer, HumanSpliceFinder) predict a greater than 10% difference in splicing; this is not very predictive of pathogenicity. In a study using DNA methylation with sequence bioinformatics to predict pathogenicity, it was found that the variant was likely not pathogenic (Flower 2015). In summary, based on the above information, the clinical significance of this variant cannot be determined with certainty at this time although we would lean towards a more benign role for this variant. This variant is classified as likely benign.

Joint Genome Diagnostic Labs from Nijmegen and Maastricht, Radboudumc and MUMC+
Classification: Likely benign. Review status: no assertion criteria provided. Collection method: clinical testing. Allele origin: germline. Affected: yes. Study: VKGL Data-share Consensus. Not counted in ClinVar's aggregate classification.

Literature cited by the submitters: PubMed 16518693 (cited by 3 submitters); PubMed 17987791 (cited by 5 submitters); PubMed 25823446 (cited by Quest Diagnostics Nichols Institute San Juan Capistrano and Women's Health and Genetics/Laboratory Corporation of America, LabCorp); PubMed 22486713 (cited by 4 submitters); PubMed 22752604 (cited by 4 submitters); PubMed 26727311 (cited by Quest Diagnostics Nichols Institute San Juan Capistrano and Women's Health and Genetics/Laboratory Corporation of America, LabCorp); PubMed 17719744 (cited by 4 submitters); PubMed 28222693 (cited by Quest Diagnostics Nichols Institute San Juan Capistrano and Women's Health and Genetics/Laboratory Corporation of America, LabCorp); PubMed 15385441 (cited by Women's Health and Genetics/Laboratory Corporation of America, LabCorp); PubMed 25348012 (cited by Women's Health and Genetics/Laboratory Corporation of America, LabCorp); PubMed 19499547 (cited by Women's Health and Genetics/Laboratory Corporation of America, LabCorp).